The following is an entry in ClinVar:

NM_032043.3(BRIP1):c.1318G>T (p.Ala440Ser)

Gene: BRIP1 (BRCA1 interacting DNA helicase 1; minus strand). Cytogenetic location: 17q23.2.
Variant type: single nucleotide variant.
Coding change: c.1318G>T on transcript NM_032043.3 (MANE Select); coding-DNA position 1318, G replaced by T.
Protein change: p.Ala440Ser; replaces alanine 440 with serine.
Molecular consequence: missense variant.
Genome position (GRCh38, 1-based): chr17:61,799,122, C>A on the plus strand (G>T on the coding strand, the complement: BRIP1 is on the minus strand). VCF-style: chr17-61799122-C-A. GRCh37 (hg19) VCF-style: chr17-59876483-C-A.
Other names: short protein forms A440S.
Identifiers: ClinVar variation 1351902 (VCV001351902.7), dbSNP rs2145300568, ClinGen allele CA400483408.
Genomic context (GRCh38, chr17:61,799,122, plus strand): 5'-AAGGCAGCACAAATACACTAATAGACAAATCTTCTTACTTAATGAGGCTACAGCACACAG[C>A]TCGTAGGGGTTCATGATCTTTCTTCCTTATATTATTGTTGACCATACTATCTAGTTCATC-3'
Protein context (NP_114432.2, residues 430-450): IRKKDHEPLR[Ala440Ser]VCCSLINWLE

ClinVar aggregate classification (germline): Uncertain significance (1 of 4 stars; one submission).

Conditions:
Familial cancer of breast. Also called: BREAST CANCER, FAMILIAL; hereditary breast carcinoma; Hereditary breast cancer. Identifiers: Orphanet 227535, MedGen C0346153, MONDO:0016419, OMIM 114480. Disease mechanism: loss of function.
Fanconi anemia complementation group J. Also called: BRIP1-Related Fanconi Anemia. Identifiers: Orphanet 84, MedGen C1836860, MONDO:0012187, OMIM 609054.

Submission:

Labcorp Genetics (formerly Invitae), Labcorp
Classification: Uncertain significance for Familial cancer of breast; Fanconi anemia complementation group J. Last evaluated: 2021-09-09. Review status: criteria provided, single submitter. Criteria: Invitae Variant Classification Sherloc (09022015). Collection method: clinical testing. Allele origin: germline.
Comment: In summary, the available evidence is currently insufficient to determine the role of this variant in disease. Therefore, it has been classified as a Variant of Uncertain Significance. Algorithms developed to predict the effect of missense changes on protein structure and function are either unavailable or do not agree on the potential impact of this missense change (SIFT: "Tolerated"; PolyPhen-2: "Possibly Damaging"; Align-GVGD: "Class C0"). This variant has not been reported in the literature in individuals affected with BRIP1-related conditions. This variant is not present in population databases (ExAC no frequency). This sequence change replaces alanine with serine at codon 440 of the BRIP1 protein (p.Ala440Ser). The alanine residue is moderately conserved and there is a moderate physicochemical difference between alanine and serine.